The following is an entry in ClinVar:

NM_000041.4(APOE):c.727A>T (p.Thr243Ser)

Gene: APOE (apolipoprotein E; plus strand). Cytogenetic location: 19q13.32.
Variant type: single nucleotide variant.
Coding change: c.727A>T on transcript NM_000041.4 (MANE Select); coding-DNA position 727, A replaced by T.
Protein change: p.Thr243Ser; replaces threonine 243 with serine.
Molecular consequence: missense variant.
Genome position (GRCh38, 1-based): chr19:44,909,023, A>T. VCF-style: chr19-44909023-A-T. GRCh37 (hg19) VCF-style: chr19-45412280-A-T.
Other names: c.805A>T, p.Thr269Ser (NM_001302688.2); c.727A>T, p.Thr243Ser (NM_001302689.2, NM_001302690.2, NM_001302691.2); short protein forms T243S, T269S.
Identifiers: ClinVar variation 3128002 (VCV003128002.2), dbSNP rs1969880357, ClinGen allele CA406304865.

ClinVar aggregate classification (germline): Uncertain significance (1 of 4 stars; one submission).

Conditions:
Cardiovascular phenotype. Identifiers: MedGen CN230736.

Allele frequency attached by ClinVar (database versions not stated): gnomAD 0.00001.

Submission:

Ambry Genetics
Classification: Uncertain significance for Cardiovascular phenotype. Last evaluated: 2024-07-28. Review status: criteria provided, single submitter. Criteria: Ambry Variant Classification Scheme 2023. Collection method: clinical testing. Allele origin: germline.
Comment: The p.T243S variant (also known as c.727A>T), located in coding exon 3 of the APOE gene, results from an A to T substitution at nucleotide position 727. The threonine at codon 243 is replaced by serine, an amino acid with similar properties. This amino acid position is conserved. In addition, this alteration is predicted to be tolerated by in silico analysis. Based on the available evidence, the clinical significance of this variant remains unclear.